The following is an entry in ClinVar:

NM_058216.3(RAD51C):c.145+1G>C

Gene: RAD51C (RAD51 paralog C; plus strand). Cytogenetic location: 17q22.
Variant type: single nucleotide variant.
Coding change: c.145+1G>C on transcript NM_058216.3 (MANE Select); the canonical splice donor site of the intron after coding-DNA position 145, G replaced by C.
Molecular consequence: splice donor variant.
Genome position (GRCh38, 1-based): chr17:58,692,789, G>C. VCF-style: chr17-58692789-G-C. GRCh37 (hg19) VCF-style: chr17-56770150-G-C.
Other names: c.145+1G>C (NM_002876.4).
Identifiers: ClinVar variation 2573179 (VCV002573179.1), dbSNP rs757128712, ClinGen allele CA400337927.

ClinVar aggregate classification (germline): Likely pathogenic (1 of 4 stars; one submission).

Conditions:
Breast-ovarian cancer, familial, susceptibility to, 3. Also called: RAD51C-Related Breast/Ovarian Cancer. Identifiers: Orphanet 145, MedGen C3150659, MONDO:0013253, OMIM 613399.

Submission:

KCCC/NGS Laboratory, Kuwait Cancer Control Center
Classification: Likely pathogenic for Breast-ovarian cancer, familial, susceptibility to, 3. Last evaluated: 2023-07-07. Review status: criteria provided, single submitter. Criteria: ACMG Guidelines, 2015. Collection method: clinical testing. Allele origin: unknown. Affected: yes.
Comment: The c.145+1G>C intronic variant results from a G to C substitution one nucleotide after coding exon 1 of the RAD51C gene. This variant has not been reported in the literature. A similar alterations at this position, c.145+1G>T (ClinVar: 233766) and c.145+1G>A (ClinVar:484741) were reported in Clinvar associated with both breast and ovarian cancer families. This variant is predicted splicing (scSNV ADA Boost score = 1 ). Alterations that disrupt the canonical splice site are expected to cause aberrant splicing, resulting in an abnormal protein or a transcript that is subject to nonsense-mediated mRNA decay. This variant is not found in gnomAD genomes. In-silico predictions show Pathogenic computational verdict based on pathogenic predictions from CADD , BayesDel_addAF, DANN, EIGEN, FATHMM-MKL, MutationTaster and scSNV-Splicing vs no benign predictions. Therefore, this variant has been classified as Likely pathogenic.